The following is an entry in ClinVar:

ClinVar aggregate classification (germline): Uncertain significance (1 of 4 stars; one submission).

Conditions:
Catecholaminergic polymorphic ventricular tachycardia 1. Also called: VENTRICULAR TACHYCARDIA, STRESS-INDUCED POLYMORPHIC 1; VENTRICULAR TACHYCARDIA, CATECHOLAMINERGIC POLYMORPHIC, 1, WITH OR WITHOUT ATRIAL DYSFUNCTION AND/OR DILATED CARDIOMYOPATHY; RYR2-Related Catecholaminergic Polymorphic Ventricular Tachycardia. Identifiers: Orphanet 3286, MedGen C1631597, MONDO:0011484, OMIM 604772.

Submission:

Labcorp Genetics (formerly Invitae), Labcorp
Classification: Uncertain significance for Catecholaminergic polymorphic ventricular tachycardia 1. Last evaluated: 2024-11-19. Review status: criteria provided, single submitter. Criteria: Invitae Variant Classification Sherloc (09022015). Collection method: clinical testing. Allele origin: germline.
Comment: This sequence change falls in intron 48 of the RYR2 gene. It does not directly change the encoded amino acid sequence of the RYR2 protein. It affects a nucleotide within the consensus splice site. This variant is not present in population databases (gnomAD no frequency). This variant has not been reported in the literature in individuals affected with RYR2-related conditions. ClinVar contains an entry for this variant (Variation ID: 2747037). Variants that disrupt the consensus splice site are a relatively common cause of aberrant splicing (PMID: 17576681, 9536098). Algorithms developed to predict the effect of sequence changes on RNA splicing suggest that this variant is not likely to affect RNA splicing. In summary, the available evidence is currently insufficient to determine the role of this variant in disease. Therefore, it has been classified as a Variant of Uncertain Significance.

Literature cited by the submitters: PubMed 17576681; PubMed 9536098.

NM_001035.3(RYR2):c.7342+6G>T

Gene: RYR2 (ryanodine receptor 2; plus strand). Cytogenetic location: 1q43.
Variant type: single nucleotide variant.
Coding change: c.7342+6G>T on transcript NM_001035.3 (MANE Select); 6 bases into the intron after coding-DNA position 7342, G replaced by T.
Molecular consequence: intron variant.
Genome position (GRCh38, 1-based): chr1:237,643,453, G>T. VCF-style: chr1-237643453-G-T. GRCh37 (hg19) VCF-style: chr1-237806753-G-T.
Identifiers: ClinVar variation 2747037 (VCV002747037.3), dbSNP rs2148758542, ClinGen allele CA2697547737.